The following is an entry in ClinVar:

NM_001365951.3(KIF1B):c.1861+3G>A

Gene: KIF1B (kinesin family member 1B; plus strand). Cytogenetic location: 1p36.22.
Variant type: single nucleotide variant.
Coding change: c.1861+3G>A on transcript NM_001365951.3 (MANE Select); 3 bases into the intron after coding-DNA position 1861, G replaced by A.
Molecular consequence: intron variant.
Genome position (GRCh38, 1-based): chr1:10,296,668, G>A. VCF-style: chr1-10296668-G-A. GRCh37 (hg19) VCF-style: chr1-10356726-G-A.
Other names: c.1723+3G>A (NM_183416.4, NM_015074.3, NM_001365953.1); c.1861+3G>A (NM_001365952.1).
Identifiers: ClinVar variation 2107313 (VCV002107313.5), dbSNP rs2521398231, ClinGen allele CA2580060452.

ClinVar aggregate classification (germline): Uncertain significance. Review status: criteria provided, multiple submitters, no conflicts (2 of 4 stars). 2 submissions from 2 submitters: Uncertain significance (2). Last evaluated 2024-11-14.

Conditions:
Charcot-Marie-Tooth disease type 2. Also called: Charcot-Marie-Tooth type 2. Identifiers: Orphanet 64746, MedGen C0270914, MONDO:0018993.

Submissions (2):

Ambry Genetics
Classification: Uncertain significance. Last evaluated: 2024-11-14. Review status: criteria provided, single submitter. Criteria: Ambry Variant Classification Scheme 2023. Collection method: clinical testing. Allele origin: germline.
Comment: The c.1723+3G>A intronic variant results from a G to A substitution 3 nucleotides after coding exon 17 in the KIF1B gene. This nucleotide position is well conserved in available vertebrate species. In silico splice site analysis predicts that this alteration will not have any significant effect on splicing. The evidence for this gene-disease relationship is limited; therefore, the clinical significance of this alteration is unclear.

Labcorp Genetics (formerly Invitae), Labcorp
Classification: Uncertain significance for Charcot-Marie-Tooth disease type 2. Last evaluated: 2022-03-06. Review status: criteria provided, single submitter. Criteria: Invitae Variant Classification Sherloc (09022015). Collection method: clinical testing. Allele origin: germline.
Comment: This variant has not been reported in the literature in individuals affected with KIF1B-related conditions. This sequence change falls in intron 18 of the KIF1B gene. It does not directly change the encoded amino acid sequence of the KIF1B protein. It affects a nucleotide within the consensus splice site. This variant is not present in population databases (gnomAD no frequency). Variants that disrupt the consensus splice site are a relatively common cause of aberrant splicing (PMID: 17576681, 9536098). Algorithms developed to predict the effect of sequence changes on RNA splicing suggest that this variant is not likely to affect RNA splicing. In summary, the available evidence is currently insufficient to determine the role of this variant in disease. Therefore, it has been classified as a Variant of Uncertain Significance.

Literature cited by the submitters: PubMed 17576681 (cited by Labcorp Genetics (formerly Invitae), Labcorp); PubMed 9536098 (cited by Labcorp Genetics (formerly Invitae), Labcorp).